The following is an entry in ClinVar:

NC_000019.9:g.(?_39013648)_(39028620_?)dup

Gene: RYR1 (ryanodine receptor 1; plus strand). Cytogenetic location: 19q13.2.
Variant type: Duplication.
Identifiers: ClinVar variation 544533 (VCV000544533.7).

ClinVar aggregate classification (germline): Likely pathogenic (1 of 4 stars; one submission).

Conditions:
RYR1-related disorder. Also called: RYR1-related condition; RYR1-related disorders. Identifiers: MedGen CN239331.

Submission:

Labcorp Genetics (formerly Invitae), Labcorp
Classification: Likely pathogenic for RYR1-related disorder. Last evaluated: 2023-08-14. Review status: criteria provided, single submitter. Criteria: Invitae Variant Classification Sherloc (09022015). Collection method: clinical testing. Allele origin: germline.
Comment: In summary, the currently available evidence indicates that the variant is pathogenic, but additional data are needed to prove that conclusively. Therefore, this variant has been classified as Likely Pathogenic. This variant has not been reported in the literature in individuals affected with RYR1-related conditions. This variant results in a copy number gain of the genomic region encompassing exon(s) 68-84 of the RYR1 gene. While the exact position of this variant cannot be determined from the data, sub-genic copy number gains are generally in tandem (PMID: 25640679). This variant is predicted to be out-of-frame, and may result in an absent or disrupted protein product. Loss-of-function variants in RYR1 are known to be pathogenic (PMID: 23919265, 25960145, 28818389, 30611313).

Literature cited by the submitters: PubMed 25640679; PubMed 23919265; PubMed 25960145; PubMed 28818389; PubMed 30611313.